The following is an entry in ClinVar:

NM_015102.5(NPHP4):c.2110G>C (p.Val704Leu)

Gene: NPHP4 (nephrocystin 4; minus strand). Cytogenetic location: 1p36.31.
Variant type: single nucleotide variant.
Coding change: c.2110G>C on transcript NM_015102.5 (MANE Select); coding-DNA position 2110, G replaced by C.
Protein change: p.Val704Leu; replaces valine 704 with leucine.
Molecular consequence: missense variant. On other transcripts: non-coding transcript variant (1).
Genome position (GRCh38, 1-based): chr1:5,904,650, C>G on the plus strand (G>C on the coding strand, the complement: NPHP4 is on the minus strand). VCF-style: chr1-5904650-C-G. GRCh37 (hg19) VCF-style: chr1-5964710-C-G.
Other names: c.571G>C, p.Val191Leu (NM_001291593.2); c.574G>C, p.Val192Leu (NM_001291594.2); short protein forms V191L, V192L, V704L.
Identifiers: ClinVar variation 2165356 (VCV002165356.4), dbSNP rs753145756, ClinGen allele CA554271.

ClinVar aggregate classification (germline): Uncertain significance (1 of 4 stars; one submission).

Conditions:
Nephronophthisis. Also called: Juvenile Nephronophthisis. Identifiers: Orphanet 655, MedGen C0687120, MONDO:0019005, HP:0000090.

Allele frequency attached by ClinVar (database versions not stated): TOPMed below 0.00001.
gnomAD v4.1: 7 of 1,612,764 alleles (0.00043%); highest among the groups gnomAD compares: Admixed American, 0.012%; no homozygotes.

Submission:

Labcorp Genetics (formerly Invitae), Labcorp
Classification: Uncertain significance for Nephronophthisis. Last evaluated: 2022-10-17. Review status: criteria provided, single submitter. Criteria: Invitae Variant Classification Sherloc (09022015). Collection method: clinical testing. Allele origin: germline.
Comment: This variant has not been reported in the literature in individuals affected with NPHP4-related conditions. This variant is present in population databases (rs753145756, gnomAD 0.01%). This sequence change replaces valine, which is neutral and non-polar, with leucine, which is neutral and non-polar, at codon 704 of the NPHP4 protein (p.Val704Leu). Advanced modeling of protein sequence and biophysical properties (such as structural, functional, and spatial information, amino acid conservation, physicochemical variation, residue mobility, and thermodynamic stability) performed at Invitae indicates that this missense variant is not expected to disrupt NPHP4 protein function. In summary, the available evidence is currently insufficient to determine the role of this variant in disease. Therefore, it has been classified as a Variant of Uncertain Significance.